The following is an entry in ClinVar:

ClinVar aggregate classification (germline): Likely benign (1 of 4 stars; one submission).

Conditions:
Neutral lipid storage myopathy (NLSDM). Also called: NEUTRAL LIPID STORAGE DISEASE WITHOUT ICHTHYOSIS. Identifiers: Orphanet 98908, MedGen C1853136, MONDO:0012545, OMIM 610717.

Allele frequency attached by ClinVar (database versions not stated): 1000 Genomes Project 0.00160; 1000 Genomes Project 30x 0.00172; gnomAD 0.00349 and 0.00355; TOPMed 0.00390; gnomAD exomes 0.00425.

Submission:

Illumina Laboratory Services, Illumina
Classification: Likely benign for Neutral lipid storage myopathy. Last evaluated: 2018-01-13. Review status: criteria provided, single submitter. Criteria: ICSL Variant Classification Criteria 13 December 2019. Collection method: clinical testing. Allele origin: germline.
Comment: This variant was observed in the ICSL laboratory as part of a predisposition screen in an ostensibly healthy population. It had not been previously curated by ICSL or reported in the Human Gene Mutation Database (HGMD: prior to June 1st, 2018), and was therefore a candidate for classification through an automated scoring system. Utilizing variant allele frequency, disease prevalence and penetrance estimates, and inheritance mode, an automated score was calculated to assess if this variant is too frequent to cause the disease. Based on the score and internal cut-off values, a variant classified as likely benign is not then subjected to further curation. The score for this variant resulted in a classification of likely benign for this disease.

NM_020376.4(PNPLA2):c.*479C>T

Gene: PNPLA2 (patatin like domain 2, triacylglycerol lipase; plus strand). Cytogenetic location: 11p15.5.
Variant type: single nucleotide variant.
Coding change: c.*479C>T on transcript NM_020376.4 (MANE Select); 479 bases downstream of the stop codon, C replaced by T.
Molecular consequence: 3 prime UTR variant.
Genome position (GRCh38, 1-based): chr11:825,341, C>T. VCF-style: chr11-825341-C-T. GRCh37 (hg19) VCF-style: chr11-825341-C-T.
Identifiers: ClinVar variation 306314 (VCV000306314.5), dbSNP rs184629044, ClinGen allele CA10631634.
Genomic context (GRCh38, chr11:825,341, plus strand): 5'-GGTCTGGCCCTACCTTGGCTGACCAGCCTCTCCACAGCTGCAGGCCAGGTCTCCCAGCGT[C>T]GCACTCCTGGGCCTGGCATTTGGAACCTGCCAGGCTGGCCTGGGAACACCCCCCTACAGG-3'